The following is an entry in ClinVar:

ClinVar aggregate classification (germline): Uncertain significance (1 of 4 stars; one submission).

Conditions:
Immunodeficiency, common variable, 7. Identifiers: Orphanet 1572, Orphanet 696894, MedGen C3542922, MONDO:0013862, OMIM 614699.

Submission:

Labcorp Genetics (formerly Invitae), Labcorp
Classification: Uncertain significance for Immunodeficiency, common variable, 7. Last evaluated: 2022-05-12. Review status: criteria provided, single submitter. Criteria: Invitae Variant Classification Sherloc (09022015). Collection method: clinical testing. Allele origin: germline.
Comment: In summary, the available evidence is currently insufficient to determine the role of this variant in disease. Therefore, it has been classified as a Variant of Uncertain Significance. Algorithms developed to predict the effect of sequence changes on RNA splicing suggest that this variant may disrupt the consensus splice site. This variant has not been reported in the literature in individuals affected with CR2-related conditions. This variant is not present in population databases (gnomAD no frequency). This sequence change falls in intron 1 of the CR2 gene. It does not directly change the encoded amino acid sequence of the CR2 protein.

NM_001006658.3(CR2):c.59-5T>C

Gene: CR2 (complement C3d receptor 2; plus strand). Cytogenetic location: 1q32.2.
Variant type: single nucleotide variant.
Coding change: c.59-5T>C on transcript NM_001006658.3 (MANE Select); 5 bases into the intron before coding-DNA position 59, T replaced by C.
Molecular consequence: intron variant.
Genome position (GRCh38, 1-based): chr1:207,466,521, T>C. VCF-style: chr1-207466521-T-C. GRCh37 (hg19) VCF-style: chr1-207639866-T-C.
Other names: c.59-5T>C (NM_001877.5).
Identifiers: ClinVar variation 2018054 (VCV002018054.4), dbSNP rs1572950687, ClinGen allele CA2483409383.